The following is an entry in ClinVar:

ClinVar aggregate classification (germline): Uncertain significance. Review status: criteria provided, multiple submitters, no conflicts (2 of 4 stars). 6 submissions from 6 submitters: Uncertain significance (6). Last evaluated 2024-08-05.

Conditions:
Wilson disease (WND). Also called: Wilson's disease. Identifiers: Orphanet 905, MedGen C0019202, MONDO:0010200, OMIM 277900. Disease mechanism: loss of function.

Allele frequency attached by ClinVar (database versions not stated): gnomAD 0.00002; TOPMed 0.00003; gnomAD exomes 0.00006; ExAC 0.00007.
gnomAD v4.1: 18 of 1,613,994 alleles (0.0011%); highest among the groups gnomAD compares: East Asian, 0.018%; no homozygotes.

Submissions (6):

Labcorp Genetics (formerly Invitae), Labcorp
Classification: Uncertain significance for Wilson disease. Last evaluated: 2024-08-05. Review status: criteria provided, single submitter. Criteria: Invitae Variant Classification Sherloc (09022015). Collection method: clinical testing. Allele origin: germline.
Comment: This sequence change replaces arginine, which is basic and polar, with glutamine, which is neutral and polar, at codon 1411 of the ATP7B protein (p.Arg1411Gln). This variant is present in population databases (rs769672624, gnomAD 0.06%). This variant has not been reported in the literature in individuals affected with ATP7B-related conditions. ClinVar contains an entry for this variant (Variation ID: 810697). Advanced modeling of protein sequence and biophysical properties (such as structural, functional, and spatial information, amino acid conservation, physicochemical variation, residue mobility, and thermodynamic stability) performed at Invitae indicates that this missense variant is not expected to disrupt ATP7B protein function with a negative predictive value of 80%. In summary, the available evidence is currently insufficient to determine the role of this variant in disease. Therefore, it has been classified as a Variant of Uncertain Significance.

All of Us Research Program, National Institutes of Health
Classification: Uncertain significance for Wilson disease. Last evaluated: 2023-07-10. Review status: criteria provided, single submitter. Criteria: ACMG Guidelines, 2015. Collection method: clinical testing. Allele origin: germline. Inheritance: Autosomal recessive inheritance. Observed: 5 variant alleles, 5 heterozygotes.
Comment: This missense variant replaces arginine with glutamine at codon 1411 of the ATP7B protein. Computational prediction suggests that this variant may not impact protein structure and function (internally defined REVEL score threshold <= 0.5, PMID: 27666373). To our knowledge, functional studies have not been reported for this variant. This variant has not been reported in individuals affected with ATP7B-related disorders in the literature. This variant has been identified in 15/279604 chromosomes in the general population by the Genome Aggregation Database (gnomAD). The available evidence is insufficient to determine the role of this variant in disease conclusively. Therefore, this variant is classified as a Variant of Uncertain Significance.

This study involves interpretation of variants in research participants for the purpose of population health screening. Participant phenotype was not available at the time of variant classification. Additional details can be found in publication PMID: 35346344, PMCID: PMC8962531

Color Diagnostics, LLC DBA Color Health
Classification: Uncertain significance for Wilson disease. Last evaluated: 2022-11-17. Review status: criteria provided, single submitter. Criteria: ACMG Guidelines, 2015. Collection method: clinical testing. Allele origin: germline.
Comment: This missense variant replaces arginine with glutamine at codon 1411 of the ATP7B protein. Computational prediction suggests that this variant may not impact protein structure and function. To our knowledge, functional studies have not been reported for this variant. This variant has not been reported in individuals affected with ATP7B-related disorders in the literature. This variant has been identified in 15/279604 chromosomes in the general population by the Genome Aggregation Database (gnomAD). The available evidence is insufficient to determine the role of this variant in disease conclusively. Therefore, this variant is classified as a Variant of Uncertain Significance.

Fulgent Genetics
Classification: Uncertain significance for Wilson disease. Last evaluated: 2022-02-10. Review status: criteria provided, single submitter. Criteria: ACMG Guidelines, 2015. Collection method: clinical testing. Allele origin: unknown.

Broad Center for Mendelian Genomics, Broad Institute of MIT and Harvard
Classification: Uncertain significance. Last evaluated: 2020-01-22. Review status: criteria provided, single submitter. Criteria: ACMG Guidelines, 2015. Collection method: curation. Allele origin: germline.
Comment: The p.Arg1411Gln variant in ATP7B has not been previously reported in individuals with Wilson Disease but has been identified in 0.06143% (12/19534) of East Asian chromosomes, 0.009664% (1/10348) of Ashkenazi Jewish chromosomes, and 0.005655% (2/35370) of Latino chromosomes by the Genome Aggregation Database (gnomAD; dbSNP rs769672624). Although this variant has been seen in the general population, its frequency is low enough to be consistent with a recessive carrier frequency. Computational prediction tools and conservation analyses do not provide strong support for or against an impact to the protein. In summary, the clinical significance of the p.Arg1411Gln variant is uncertain. ACMG/AMP Criteria applied: PM2 (Richards 2015).

CeGaT Center for Human Genetics Tuebingen
Classification: Uncertain significance. Last evaluated: 2019-03-01. Review status: criteria provided, single submitter. Criteria: CeGaT Center For Human Genetics Tuebingen Variant Classification Criteria Version 2. Collection method: clinical testing. Allele origin: germline. Affected: yes. Observed: 1 variant allele.

NM_000053.4(ATP7B):c.4232G>A (p.Arg1411Gln)

Gene: ATP7B (ATPase copper transporting beta; minus strand). Cytogenetic location: 13q14.3.
Variant type: single nucleotide variant.
Coding change: c.4232G>A on transcript NM_000053.4 (MANE Select); coding-DNA position 4232, G replaced by A.
Protein change: p.Arg1411Gln; replaces arginine 1411 with glutamine.
Molecular consequence: missense variant.
Genome position (GRCh38, 1-based): chr13:51,934,922, C>T on the plus strand (G>A on the coding strand, the complement: ATP7B is on the minus strand). VCF-style: chr13-51934922-C-T. GRCh37 (hg19) VCF-style: chr13-52509058-C-T.
Other names: c.3611G>A, p.Arg1204Gln (NM_001005918.3); c.3899G>A, p.Arg1300Gln (NM_001243182.2); c.3998G>A, p.Arg1333Gln (NM_001330578.2); c.3980G>A, p.Arg1327Gln (NM_001330579.2); short protein forms R1300Q, R1411Q, R1204Q, R1327Q, R1333Q.
Identifiers: ClinVar variation 810697 (VCV000810697.49), dbSNP rs769672624, ClinGen allele CA6988451.